The following is an entry in ClinVar:

ClinVar aggregate classification (germline): Conflicting classifications of pathogenicity. Review status: criteria provided, conflicting classifications (1 of 4 stars). 4 submissions from 4 submitters: Uncertain significance (1); Likely benign (2). 1 of the submissions does not count toward it. Last evaluated 2026-01-28.

Conditions:
Fraser syndrome 2 (FRASRS2). Identifiers: MedGen C4540036, MONDO:0054738, OMIM 617666.
FREM2-related disorder. Also called: FREM2-related condition.

Allele frequency attached by ClinVar (database versions not stated): 1000 Genomes Project 30x 0.00016; 1000 Genomes Project 0.00020; ExAC 0.00028; gnomAD 0.00034 and 0.00035; gnomAD exomes 0.00034; TOPMed 0.00036; ESP Exome Variant Server 0.00077.
gnomAD v4.1: 1,309 of 1,613,924 alleles (0.081%); highest among the groups gnomAD compares: Non-Finnish European, 0.11%; no homozygotes.

Submissions (4):

Labcorp Genetics (formerly Invitae), Labcorp
Classification: Likely benign. Last evaluated: 2026-01-28. Review status: criteria provided, single submitter. Criteria: Invitae Variant Classification Sherloc (09022015). Collection method: clinical testing. Allele origin: germline.

Blueprint Genetics
Classification: Likely benign. Last evaluated: 2024-10-28. Review status: criteria provided, single submitter. Criteria: ACMG Guidelines, 2015. Collection method: clinical testing. Allele origin: germline.

Illumina Laboratory Services, Illumina
Classification: Uncertain significance for Fraser syndrome 2. Last evaluated: 2018-01-12. Review status: criteria provided, single submitter. Criteria: ICSL Variant Classification Criteria 13 December 2019. Collection method: clinical testing. Allele origin: germline.

PreventionGenetics, part of Exact Sciences
Classification: Likely benign for FREM2-related condition. Last evaluated: 2022-01-07. Review status: no assertion criteria provided. Collection method: clinical testing. Allele origin: germline. Not counted in ClinVar's aggregate classification.
Comment: This variant is classified as likely benign based on ACMG/AMP sequence variant interpretation guidelines (Richards et al. 2015 PMID: 25741868, with internal and published modifications).

NM_207361.6(FREM2):c.8196C>T (p.Ser2732=)

Gene: FREM2 (FRAS1 related extracellular matrix 2; plus strand). Cytogenetic location: 13q13.3.
Variant type: single nucleotide variant.
Coding change: c.8196C>T on transcript NM_207361.6 (MANE Select); coding-DNA position 8196, C replaced by T.
Protein change: p.Ser2732=; no amino-acid change (serine 2732 retained).
Molecular consequence: synonymous variant.
Genome position (GRCh38, 1-based): chr13:38,874,501, C>T. VCF-style: chr13-38874501-C-T. GRCh37 (hg19) VCF-style: chr13-39448638-C-T.
Identifiers: ClinVar variation 312025 (VCV000312025.15), dbSNP rs151062281, ClinGen allele CA6956075.
Genomic context (GRCh38, chr13:38,874,501, plus strand): 5'-GGCTACATATATTTTCATTCTTGGTACTCTCCCCATTATAGGTTCTCTCTATCCAACCAG[C>T]ATGCGCATCGGTGATGAGGGGCGCTTGGCCGTGCACTTCAAGACAGAGGCTCAGTTCCAT-3'
Protein context (NP_997244.4, residues 2722-2742): AELQGSLYPT[Ser2732=]MRIGDEGRLA